The following is an entry in ClinVar:

NM_017934.7(PHIP):c.4691C>A (p.Ser1564Tyr)

Genes: IRAK1BP1 (interleukin 1 receptor associated kinase 1 binding protein 1; plus strand), PHIP (PHIP subunit of CUL4-Ring ligase complex; minus strand). Cytogenetic location: 6q14.1.
Variant type: single nucleotide variant.
Coding change: c.4691C>A on transcript NM_017934.7 (MANE Select); coding-DNA position 4691, C replaced by A.
Protein change: p.Ser1564Tyr; replaces serine 1564 with tyrosine.
Molecular consequence: missense variant.
Genome position (GRCh38, 1-based): chr6:78,945,437, G>T on the plus strand (C>A on the coding strand, the complement: PHIP is on the minus strand). VCF-style: chr6-78945437-G-T. GRCh37 (hg19) VCF-style: chr6-79655154-G-T.
Other names: c.4691C>A (NM_017934.6); short protein forms S1564Y.
Identifiers: ClinVar variation 2216370 (VCV002216370.3), dbSNP rs749542883, ClinGen allele CA3899388.

ClinVar aggregate classification (germline): Uncertain significance. Review status: criteria provided, multiple submitters, no conflicts (2 of 4 stars). 2 submissions from 2 submitters: Uncertain significance (2). Last evaluated 2024-11-08.

Conditions:
Inborn genetic diseases. Identifiers: MedGen C0950123, MeSH D030342.
PHIP-related disorder. Also called: PHIP-related disorders; PHIP-related condition.

Allele frequency attached by ClinVar (database versions not stated): TOPMed below 0.00001; gnomAD 0.00001.
gnomAD v4.1: 35 of 1,611,206 alleles (0.0022%); highest among the groups gnomAD compares: Non-Finnish European, 0.0027%; no homozygotes.

Submissions (2):

PreventionGenetics, part of Exact Sciences
Classification: Uncertain significance for PHIP-related condition. Last evaluated: 2024-11-08. Review status: criteria provided, single submitter. Criteria: ACMG Guidelines, 2015. Collection method: clinical testing. Allele origin: germline.
Comment: The PHIP c.4691C>A variant is predicted to result in the amino acid substitution p.Ser1564Tyr. To our knowledge, this variant has not been reported in the literature. This variant is reported in 0.0018% of alleles in individuals of European (Non-Finnish) descent in gnomAD. At this time, the clinical significance of this variant is uncertain due to the absence of conclusive functional and genetic evidence.

Ambry Genetics
Classification: Uncertain significance for Inborn genetic diseases. Last evaluated: 2022-11-17. Review status: criteria provided, single submitter. Criteria: Ambry Variant Classification Scheme 2023. Collection method: clinical testing. Allele origin: germline.